The following is an entry in ClinVar:

NM_182746.3(MCM4):c.1491G>C (p.Arg497Ser)

Gene: MCM4 (minichromosome maintenance complex component 4; plus strand). Cytogenetic location: 8q11.21.
Variant type: single nucleotide variant.
Coding change: c.1491G>C on transcript NM_182746.3 (MANE Select); coding-DNA position 1491, G replaced by C.
Protein change: p.Arg497Ser; replaces arginine 497 with serine.
Molecular consequence: missense variant.
Genome position (GRCh38, 1-based): chr8:47,970,567, G>C. VCF-style: chr8-47970567-G-C. GRCh37 (hg19) VCF-style: chr8-48883127-G-C.
Other names: c.1491G>C, p.Arg497Ser (NM_005914.4); short protein forms R497S.
Identifiers: ClinVar variation 1365522 (VCV001365522.5), dbSNP rs781098847, ClinGen allele CA4742637.
Genomic context (GRCh38, chr8:47,970,567, plus strand): 5'-TTAGGGAATTTTGCTTCAGCTCTTTGGCGGGACAAGGAAGGATTTTAGTCACACTGGAAG[G>C]GGCAAATTTCGGGCTGAGATCAACATCTTGCTGTGTGGCGACCCTGGTACCAGCAAGTCC-3'
Protein context (NP_877423.1, residues 487-507): GTRKDFSHTG[Arg497Ser]GKFRAEINIL

ClinVar aggregate classification (germline): Uncertain significance (1 of 4 stars; one submission).

Allele frequency attached by ClinVar (database versions not stated): gnomAD exomes below 0.00001 and 0.00001; ExAC 0.00001.
gnomAD v4.1: 3 of 1,613,894 alleles (0.00019%); highest among the groups gnomAD compares: Admixed American, 0.0017%; no homozygotes.

Submission:

Labcorp Genetics (formerly Invitae), Labcorp
Classification: Uncertain significance. Last evaluated: 2021-08-31. Review status: criteria provided, single submitter. Criteria: Invitae Variant Classification Sherloc (09022015). Collection method: clinical testing. Allele origin: germline.
Comment: This sequence change replaces arginine with serine at codon 497 of the MCM4 protein (p.Arg497Ser). The arginine residue is highly conserved and there is a moderate physicochemical difference between arginine and serine. This variant is present in population databases (rs781098847, ExAC 0.009%). This variant has not been reported in the literature in individuals affected with MCM4-related conditions. Algorithms developed to predict the effect of missense changes on protein structure and function (SIFT, PolyPhen-2, Align-GVGD) all suggest that this variant is likely to be disruptive. In summary, the available evidence is currently insufficient to determine the role of this variant in disease. Therefore, it has been classified as a Variant of Uncertain Significance.